The following is an entry in ClinVar:

ClinVar aggregate classification (germline): Pathogenic (1 of 4 stars; one submission).

Submission:

Labcorp Genetics (formerly Invitae), Labcorp
Classification: Pathogenic. Last evaluated: 2023-12-17. Review status: criteria provided, single submitter. Criteria: Invitae Variant Classification Sherloc (09022015). Collection method: clinical testing. Allele origin: germline.
Comment: This sequence change creates a premature translational stop signal (p.Leu190Profs*114) in the GATA3 gene. It is expected to result in an absent or disrupted protein product. Loss-of-function variants in GATA3 are known to be pathogenic (PMID: 14985365, 21242646). This variant is not present in population databases (gnomAD no frequency). This variant has not been reported in the literature in individuals affected with GATA3-related conditions. For these reasons, this variant has been classified as Pathogenic.

Literature cited by the submitters: PubMed 14985365; PubMed 21242646.

NM_001002295.2(GATA3):c.568dup (p.Leu190fs)

Gene: GATA3 (GATA binding protein 3; plus strand). Cytogenetic location: 10p14.
Variant type: Duplication.
Coding change: c.568dup on transcript NM_001002295.2 (MANE Select); coding-DNA position 568, one base duplicated (C; older notation c.568dupC).
Protein change: p.Leu190fs; shifts the reading frame from leucine 190.
Molecular consequence: frameshift variant.
Genome position (GRCh38, 1-based): chr10:8,058,631, C duplicated; the last of 4 consecutive C bases (chr10:8,058,628-8,058,631); duplicating any one gives the same sequence. VCF-style (leftmost placement, unchanged base first): chr10-8058627-G-GC. GRCh37 (hg19) VCF-style: chr10-8100590-G-GC.
Other names: c.568dup, p.Leu190fs (NM_002051.3); short protein forms L190fs.
Identifiers: ClinVar variation 2703759 (VCV002703759.3), dbSNP rs2491463738, ClinGen allele CA2697558252.
Genomic context (GRCh38, chr10:8,058,627, plus strand): 5'-CACCCCAGGCTCGGCCGGCTCGGCCCGGCAGGACGAGAAAGAGTGCCTCAAGTACCAGGT[G>GC]CCCCTGCCCGACAGCATGAAGCTGGAGTCGTCCCACTCCCGTGGCAGCATGACCGCCCTG-3'